The following is an entry in ClinVar:

NM_001122955.4(BSCL2):c.772C>T (p.Pro258Ser)

Genes: BSCL2 (BSCL2 lipid droplet biogenesis associated, seipin; minus strand), HNRNPUL2-BSCL2 (HNRNPUL2-BSCL2 readthrough (NMD candidate); minus strand). Cytogenetic location: 11q12.3.
Variant type: single nucleotide variant.
Coding change: c.772C>T on transcript NM_001122955.4 (MANE Select); coding-DNA position 772, C replaced by T.
Protein change: p.Pro258Ser; replaces proline 258 with serine.
Molecular consequence: missense variant. On other transcripts: non-coding transcript variant (1).
Genome position (GRCh38, 1-based): chr11:62,692,467, G>A on the plus strand (C>T on the coding strand, the complement: BSCL2 is on the minus strand). VCF-style: chr11-62692467-G-A. GRCh37 (hg19) VCF-style: chr11-62459939-G-A.
Other names: c.580C>T, p.Pro194Ser (NM_001130702.2, NM_032667.6); c.772C>T, p.Pro258Ser (NM_001386027.1, NM_001386028.1); short protein forms P258S, P194S.
Identifiers: ClinVar variation 4696582 (VCV004696582.1).

ClinVar aggregate classification (germline): Uncertain significance (1 of 4 stars; one submission).

Conditions:
Charcot-Marie-Tooth disease type 2. Also called: Charcot-Marie-Tooth type 2. Identifiers: Orphanet 64746, MedGen C0270914, MONDO:0018993.

Submission:

Labcorp Genetics (formerly Invitae), Labcorp
Classification: Uncertain significance for Charcot-Marie-Tooth disease type 2. Last evaluated: 2025-06-20. Review status: criteria provided, single submitter. Criteria: Invitae Variant Classification Sherloc (09022015). Collection method: clinical testing. Allele origin: germline.
Comment: This sequence change replaces proline, which is neutral and non-polar, with serine, which is neutral and polar, at codon 194 of the BSCL2 protein (p.Pro194Ser). This variant is not present in population databases (gnomAD no frequency). This variant has not been reported in the literature in individuals affected with BSCL2-related conditions. Invitae Evidence Modeling of protein sequence and biophysical properties (such as structural, functional, and spatial information, amino acid conservation, physicochemical variation, residue mobility, and thermodynamic stability) indicates that this missense variant is not expected to disrupt BSCL2 protein function with a negative predictive value of 80%. In summary, the available evidence is currently insufficient to determine the role of this variant in disease. Therefore, it has been classified as a Variant of Uncertain Significance.